The following is an entry in ClinVar:

NM_024656.4(COLGALT1):c.1602-5C>G

Gene: COLGALT1 (collagen beta(1-O)galactosyltransferase 1; plus strand). Cytogenetic location: 19p13.11.
Variant type: single nucleotide variant.
Coding change: c.1602-5C>G on transcript NM_024656.4 (MANE Select); 5 bases into the intron before coding-DNA position 1602, C replaced by G.
Molecular consequence: intron variant.
Genome position (GRCh38, 1-based): chr19:17,581,172, C>G. VCF-style: chr19-17581172-C-G. GRCh37 (hg19) VCF-style: chr19-17691981-C-G.
Identifiers: ClinVar variation 3057637 (VCV003057637.6), dbSNP rs370199311, ClinGen allele CA9297381.
Genomic context (GRCh38, chr19:17,581,172, plus strand): 5'-TTTCCTCCAGCTGTCCCGTCCCCTGAAGCCATTGCTGCCCCTCACTCCCCTCCTCCTCCC[C>G]CCAGGTCCGAGTACAAGGCCCACTTCTCCCTCCGCAACCTGCATGCCTTCTCTGTGGAGC-3'

ClinVar aggregate classification (germline): Likely benign. Review status: criteria provided, multiple submitters, no conflicts (2 of 4 stars). 3 submissions from 3 submitters: Likely benign (2). 1 of the submissions does not count toward it. Last evaluated 2025-10-13.

Conditions:
COLGALT1-related disorder. Also called: COLGALT1-related condition.

Allele frequency attached by ClinVar (database versions not stated): TOPMed 0.00024; 1000 Genomes Project 30x 0.00031; 1000 Genomes Project 0.00040; ESP Exome Variant Server 0.00054.
gnomAD v4.1: 136 of 1,605,660 alleles (0.0085%); highest among the groups gnomAD compares: South Asian, 0.074%; 1 homozygote.

Submissions (4):

Labcorp Genetics (formerly Invitae), Labcorp
Classification: Likely benign. Last evaluated: 2025-10-13. Review status: criteria provided, single submitter. Criteria: Invitae Variant Classification Sherloc (09022015). Collection method: clinical testing. Allele origin: germline.

Blueprint Genetics
Classification: Likely benign. Last evaluated: 2022-08-04. Review status: criteria provided, single submitter. Criteria: ACMG Guidelines, 2015. Collection method: clinical testing. Allele origin: germline.

PreventionGenetics, part of Exact Sciences
Classification: Likely benign for COLGALT1-related condition. Last evaluated: 2022-06-12. Review status: no assertion criteria provided. Collection method: clinical testing. Allele origin: germline. Not counted in ClinVar's aggregate classification.
Comment: This variant is classified as likely benign based on ACMG/AMP sequence variant interpretation guidelines (Richards et al. 2015 PMID: 25741868, with internal and published modifications).

Dr. Peter K. Rogan Lab, Western University
No classification provided (evidence only). Condition: Familial cancer of breast. Review status: no classification provided. Collection method: in vitro. Allele origin: not applicable. Functional consequence: retained intron. Not counted in ClinVar's aggregate classification.